The following is an entry in ClinVar:

NM_002234.4(KCNA5):c.*543G>C

Gene: KCNA5 (potassium voltage-gated channel subfamily A member 5; plus strand). Cytogenetic location: 12p13.32.
Variant type: single nucleotide variant.
Coding change: c.*543G>C on transcript NM_002234.4 (MANE Select); 543 bases downstream of the stop codon, G replaced by C.
Molecular consequence: 3 prime UTR variant.
Genome position (GRCh38, 1-based): chr12:5,046,532, G>C. VCF-style: chr12-5046532-G-C. GRCh37 (hg19) VCF-style: chr12-5155698-G-C.
Identifiers: ClinVar variation 883737 (VCV000883737.4), dbSNP rs80304472, ClinGen allele CA15736799.

ClinVar aggregate classification (germline): Likely benign (1 of 4 stars; one submission).

Conditions:
Atrial fibrillation, familial, 7 (ATFB7). Identifiers: MedGen C2677106, MONDO:0012828, OMIM 612240.

Allele frequency attached by ClinVar (database versions not stated): gnomAD exomes 0.00039; gnomAD 0.00887 and 0.00942; 1000 Genomes Project 0.01018; TOPMed 0.01043; 1000 Genomes Project 30x 0.01093.
gnomAD v4.1: 1,345 of 188,842 alleles (0.71%); highest among the groups gnomAD compares: African/African-American, 3.1%; 24 homozygotes.

Submission:

Illumina Laboratory Services, Illumina
Classification: Likely benign for Atrial fibrillation, familial, 7. Last evaluated: 2018-01-13. Review status: criteria provided, single submitter. Criteria: ICSL Variant Classification Criteria 13 December 2019. Collection method: clinical testing. Allele origin: germline.
Comment: This variant was observed in the ICSL laboratory as part of a predisposition screen in an ostensibly healthy population. It had not been previously curated by ICSL or reported in the Human Gene Mutation Database (HGMD: prior to June 1st, 2018), and was therefore a candidate for classification through an automated scoring system. Utilizing variant allele frequency, disease prevalence and penetrance estimates, and inheritance mode, an automated score was calculated to assess if this variant is too frequent to cause the disease. Based on the score and internal cut-off values, a variant classified as likely benign is not then subjected to further curation. The score for this variant resulted in a classification of likely benign for this disease.